The following is an entry in ClinVar:

ClinVar aggregate classification (germline): Uncertain significance. Review status: criteria provided, multiple submitters, no conflicts (2 of 4 stars). 3 submissions from 3 submitters: Uncertain significance (3). Last evaluated 2025-04-11.

Conditions:
Inborn genetic diseases. Identifiers: MedGen C0950123, MeSH D030342.
Pulmonary fibrosis and/or bone marrow failure, Telomere-related, 3. Also called: PULMONARY FIBROSIS AND/OR BONE MARROW FAILURE SYNDROME, TELOMERE-RELATED, 3. Identifiers: Orphanet 2032, MedGen C4225346, MONDO:0014613, OMIM 616373.
Dyskeratosis congenita, autosomal recessive 5 (DKCB5). Identifiers: MedGen C3554656, MONDO:0014076, OMIM 615190.

Allele frequency attached by ClinVar (database versions not stated): gnomAD exomes below 0.00001; TOPMed 0.00031; gnomAD 0.00001; ESP Exome Variant Server 0.00008.
gnomAD v4.1: 32 of 1,612,312 alleles (0.002%); highest among the groups gnomAD compares: Non-Finnish European, 0.00025%; 1 homozygote.

Submissions (3):

Labcorp Genetics (formerly Invitae), Labcorp
Classification: Uncertain significance for Dyskeratosis congenita, autosomal recessive 5; Pulmonary fibrosis and/or bone marrow failure, Telomere-related, 3. Last evaluated: 2025-04-11. Review status: criteria provided, single submitter. Criteria: Invitae Variant Classification Sherloc (09022015). Collection method: clinical testing. Allele origin: germline.
Comment: This sequence change replaces serine, which is neutral and polar, with phenylalanine, which is neutral and non-polar, at codon 405 of the RTEL1 protein (p.Ser405Phe). This variant is not present in population databases (gnomAD no frequency). This variant has not been reported in the literature in individuals affected with RTEL1-related conditions. ClinVar contains an entry for this variant (Variation ID: 2047204). An algorithm developed to predict the effect of missense changes on protein structure and function (PolyPhen-2) suggests that this variant is likely to be disruptive. In summary, the available evidence is currently insufficient to determine the role of this variant in disease. Therefore, it has been classified as a Variant of Uncertain Significance.

Ambry Genetics
Classification: Uncertain significance for Inborn genetic diseases. Last evaluated: 2024-12-13. Review status: criteria provided, single submitter. Criteria: Ambry Variant Classification Scheme 2023. Collection method: clinical testing. Allele origin: germline.
Comment: The p.S405F variant (also known as c.1214C>T), located in coding exon 14 of the RTEL1 gene, results from a C to T substitution at nucleotide position 1214. The serine at codon 405 is replaced by phenylalanine, an amino acid with highly dissimilar properties. This amino acid position is conserved. In addition, this alteration is predicted to be tolerated by in silico analysis. Based on the available evidence, the clinical significance of this variant remains unclear.

GeneDx
Classification: Uncertain significance. Last evaluated: 2024-07-12. Review status: criteria provided, single submitter. Criteria: GeneDx Variant Classification Process June 2021. Collection method: clinical testing. Allele origin: germline. Affected: yes.
Comment: Not observed at significant frequency in large population cohorts (gnomAD); In silico analysis supports that this missense variant has a deleterious effect on protein structure/function; Has not been previously published as pathogenic or benign to our knowledge

NM_001283009.2(RTEL1):c.1214C>T (p.Ser405Phe)

Genes: RTEL1 (regulator of telomere elongation helicase 1; plus strand), RTEL1-TNFRSF6B (RTEL1-TNFRSF6B readthrough (NMD candidate); plus strand). Cytogenetic location: 20q13.33.
Variant type: single nucleotide variant.
Coding change: c.1214C>T on transcript NM_001283009.2 (MANE Select); coding-DNA position 1214, C replaced by T.
Protein change: p.Ser405Phe; replaces serine 405 with phenylalanine.
Molecular consequence: missense variant. On other transcripts: non-coding transcript variant (1).
Genome position (GRCh38, 1-based): chr20:63,685,545, C>T. VCF-style: chr20-63685545-C-T. GRCh37 (hg19) VCF-style: chr20-62316898-C-T.
Other names: c.545C>T, p.Ser182Phe (NM_001283010.1); c.1214C>T, p.Ser405Phe (NM_016434.4); c.1286C>T, p.Ser429Phe (NM_032957.5); c.1286C>T (NM_032957.4); short protein forms S182F, S429F, S405F.
Identifiers: ClinVar variation 2047204 (VCV002047204.5), dbSNP rs375916694, ClinGen allele CA317505556.
Genomic context (GRCh38, chr20:63,685,545, plus strand): 5'-CAGGCTCCTGACGGGGCTGCACTTCCTCTGCCTTTCAGATTGTGTTCAGTGTGGACCCCT[C>T]CGAGGGCAGCCCTGGTTCCCCAGCAGGGCTGGGGGCCTTACAGTCCTATAAGGTAGGGGC-3'
Protein context (NP_001269938.1, residues 395-415): IIQIVFSVDP[Ser405Phe]EGSPGSPAGL